The following is an entry in ClinVar:

ClinVar aggregate classification (germline): Uncertain significance (1 of 4 stars; one submission).

Allele frequency attached by ClinVar (database versions not stated): TOPMed below 0.00001; gnomAD 0.00003; ExAC 0.00005.
gnomAD v4.1: 22 of 1,613,894 alleles (0.0014%); highest among the groups gnomAD compares: Non-Finnish European, 0.0016%; no homozygotes.

Submission:

Labcorp Genetics (formerly Invitae), Labcorp
Classification: Uncertain significance. Last evaluated: 2024-12-16. Review status: criteria provided, single submitter. Criteria: Invitae Variant Classification Sherloc (09022015). Collection method: clinical testing. Allele origin: germline.
Comment: This sequence change replaces methionine, which is neutral and non-polar, with isoleucine, which is neutral and non-polar, at codon 472 of the CACNA1E protein (p.Met472Ile). This variant is present in population databases (rs754223861, gnomAD 0.006%). This variant has not been reported in the literature in individuals affected with CACNA1E-related conditions. ClinVar contains an entry for this variant (Variation ID: 2881230). Invitae Evidence Modeling of protein sequence and biophysical properties (such as structural, functional, and spatial information, amino acid conservation, physicochemical variation, residue mobility, and thermodynamic stability) has been performed for this missense variant. However, the output from this modeling did not meet the statistical confidence thresholds required to predict the impact of this variant on CACNA1E protein function. In summary, the available evidence is currently insufficient to determine the role of this variant in disease. Therefore, it has been classified as a Variant of Uncertain Significance.

NM_001205293.3(CACNA1E):c.1416G>A (p.Met472Ile)

Gene: CACNA1E (calcium voltage-gated channel subunit alpha1 E; plus strand). Cytogenetic location: 1q25.3.
Variant type: single nucleotide variant.
Coding change: c.1416G>A on transcript NM_001205293.3 (MANE Select); coding-DNA position 1416, G replaced by A.
Protein change: p.Met472Ile; replaces methionine 472 with isoleucine.
Molecular consequence: missense variant.
Genome position (GRCh38, 1-based): chr1:181,717,193, G>A. VCF-style: chr1-181717193-G-A. GRCh37 (hg19) VCF-style: chr1-181686329-G-A.
Other names: c.1416G>A, p.Met472Ile (NM_000721.4, NM_001205294.2); short protein forms M472I.
Identifiers: ClinVar variation 2881230 (VCV002881230.3), dbSNP rs754223861, ClinGen allele CA1275117.